The following is an entry in ClinVar:

ClinVar aggregate classification (germline): Likely benign (1 of 4 stars; one submission).

Submission:

CeGaT Center for Human Genetics Tuebingen
Classification: Likely benign. Last evaluated: 2026-08-01. Review status: criteria provided, single submitter. Criteria: CeGaT Center For Human Genetics Tuebingen Variant Classification Criteria Version 2. Collection method: clinical testing. Allele origin: germline. Affected: yes. Observed: 5 variant alleles.
Comment: TRIP12: BP4, BS1

NM_001348323.3(TRIP12):c.5809-4dup

Gene: TRIP12 (thyroid hormone receptor interactor 12; minus strand). Cytogenetic location: 2q36.3.
Variant type: Duplication.
Coding change: c.5809-4dup on transcript NM_001348323.3 (MANE Select); 4 bases into the intron before coding-DNA position 5809, one base duplicated (A; older notation c.5809-4dupA).
Molecular consequence: intron variant.
Genome position (GRCh38, 1-based): chr2:229,769,329, T duplicated on the plus strand (A on the coding strand, the reverse complement: TRIP12 is on the minus strand). VCF-style (leftmost placement, unchanged base first): chr2-229769328-G-GT. GRCh37 (hg19) VCF-style: chr2-230634044-G-GT.
Other names: c.4774-4dup (NM_001284216.2); c.5584-4dup (NM_004238.3); c.5587-4dup (NM_001348331.1); c.5668-4dup (NM_001348317.1, NM_001348318.2); c.5683-4dup (NM_001284215.2, NM_001348316.2); c.5707-4dup (NM_001348332.1); c.5728-4dup (NM_001284214.2, NM_001348315.2); c.5794-4dup (NM_001348319.1, NM_001348320.2); and 4 more.
Identifiers: ClinVar variation 3257000 (VCV003257000.17).